The following is an entry in ClinVar:

NM_001378452.1(ITPR1):c.8247_8251del (p.His2749fs)

Gene: ITPR1 (inositol 1,4,5-trisphosphate receptor type 1; plus strand). Cytogenetic location: 3p26.1.
Variant type: Deletion.
Coding change: c.8247_8251del on transcript NM_001378452.1 (MANE Select); coding-DNA positions 8247 to 8251, 5 bases deleted (CATGA; older notation c.8247_8251delCATGA).
Protein change: p.His2749fs; shifts the reading frame from histidine 2749.
Molecular consequence: frameshift variant.
Genome position (GRCh38, 1-based): chr3:4,846,195-4,846,199, CATGA deleted; deleting any 5 consecutive bases within chr3:4,846,194-4,846,199 gives the same sequence; the c. name uses the placement nearest the transcript's 3' end. VCF-style (leftmost placement, unchanged base first): chr3-4846193-CACATG-C. GRCh37 (hg19) VCF-style: chr3-4887877-CACATG-C.
Other names: c.8058_8062del (NM_002222.5); c.8103_8107del, p.His2701fs (NM_001099952.4); c.8202_8206del, p.His2734fs (NM_001168272.2); c.8058_8062del, p.His2686fs (NM_002222.7); short protein forms H2686fs, H2734fs, H2749fs, H2701fs.
Identifiers: ClinVar variation 2098199 (VCV002098199.5), dbSNP rs1228999061, ClinGen allele CA541042035.
Genomic context (GRCh38, chr3:4,846,193, plus strand): 5'-TTCCAGATGACAGAACAAAGGAAGCAGAAACAAAGAATTGGTCTTCTAGGACATCCTCCT[CACATG>C]AATGTCAACCCACAACAACCAGCATAAGCAAATGAAAGAAAGGAATTGTATTTACCTTTT-3'

ClinVar aggregate classification (germline): Uncertain significance. Review status: criteria provided, multiple submitters, no conflicts (2 of 4 stars). 2 submissions from 2 submitters: Uncertain significance (2). Last evaluated 2025-02-17.

Submissions (2):

Labcorp Genetics (formerly Invitae), Labcorp
Classification: Uncertain significance. Last evaluated: 2025-02-17. Review status: criteria provided, single submitter. Criteria: Invitae Variant Classification Sherloc (09022015). Collection method: clinical testing. Allele origin: germline.
Comment: This sequence change results in a frameshift in the ITPR1 gene (p.His2686Glnfs*12). While this is not anticipated to result in nonsense mediated decay, it is expected to disrupt the last 10 amino acid(s) of the ITPR1 protein and extend the protein by 1 additional amino acid residues. This variant is not present in population databases (gnomAD no frequency). This frameshift has been observed in individual(s) with clinical features of ITPR1-related conditions (PMID: 28191889). ClinVar contains an entry for this variant (Variation ID: 2098199). Experimental studies and prediction algorithms are not available or were not evaluated, and the functional significance of this variant is currently unknown. In summary, the available evidence is currently insufficient to determine the role of this variant in disease. Therefore, it has been classified as a Variant of Uncertain Significance.

GeneDx
Classification: Uncertain significance. Last evaluated: 2022-12-28. Review status: criteria provided, single submitter. Criteria: GeneDx Variant Classification Process June 2021. Collection method: clinical testing. Allele origin: germline. Affected: yes.
Comment: Not observed at significant frequency in large population cohorts (gnomAD); Frameshift variant predicted to result in protein truncation as the last 11 amino acids are replaced with 11 different amino acids, although loss-of-function variants have not been reported downstream of this position in the protein; Has not been previously published as pathogenic or benign to our knowledge; This variant is associated with the following publications: (PMID: 28191889)

Literature cited by the submitters: PubMed 28191889 (cited by Labcorp Genetics (formerly Invitae), Labcorp).